The following is an entry in ClinVar:

ClinVar aggregate classification (germline): Uncertain significance (1 of 4 stars; one submission).

Submission:

Labcorp Genetics (formerly Invitae), Labcorp
Classification: Uncertain significance. Last evaluated: 2022-08-22. Review status: criteria provided, single submitter. Criteria: Invitae Variant Classification Sherloc (09022015). Collection method: clinical testing. Allele origin: germline.
Comment: In summary, the available evidence is currently insufficient to determine the role of this variant in disease. Therefore, it has been classified as a Variant of Uncertain Significance. Algorithms developed to predict the effect of missense changes on protein structure and function are either unavailable or do not agree on the potential impact of this missense change (SIFT: "Deleterious"; PolyPhen-2: "Probably Damaging"; Align-GVGD: "Class C0"). ClinVar contains an entry for this variant (Variation ID: 1510505). This variant has not been reported in the literature in individuals affected with CXCR2-related conditions. This variant is not present in population databases (gnomAD no frequency). This sequence change replaces proline, which is neutral and non-polar, with serine, which is neutral and polar, at codon 38 of the CXCR2 protein (p.Pro38Ser).

NM_001557.4(CXCR2):c.112C>T (p.Pro38Ser)

Gene: CXCR2 (C-X-C motif chemokine receptor 2; plus strand). Cytogenetic location: 2q35.
Variant type: single nucleotide variant.
Coding change: c.112C>T on transcript NM_001557.4 (MANE Select); coding-DNA position 112, C replaced by T.
Protein change: p.Pro38Ser; replaces proline 38 with serine.
Molecular consequence: missense variant.
Genome position (GRCh38, 1-based): chr2:218,134,913, C>T. VCF-style: chr2-218134913-C-T. GRCh37 (hg19) VCF-style: chr2-218999636-C-T.
Other names: c.112C>T, p.Pro38Ser (NM_001168298.2); short protein forms P38S.
Identifiers: ClinVar variation 1510505 (VCV001510505.6), dbSNP rs2106107764, ClinGen allele CA350528447.